The following is an entry in ClinVar:

NM_005045.4(RELN):c.6190C>T (p.His2064Tyr)

Gene: RELN (reelin; minus strand). Cytogenetic location: 7q22.1.
Variant type: single nucleotide variant.
Coding change: c.6190C>T on transcript NM_005045.4 (MANE Select); coding-DNA position 6190, C replaced by T.
Protein change: p.His2064Tyr; replaces histidine 2064 with tyrosine.
Molecular consequence: missense variant.
Genome position (GRCh38, 1-based): chr7:103,551,179, G>A on the plus strand (C>T on the coding strand, the complement: RELN is on the minus strand). VCF-style: chr7-103551179-G-A. GRCh37 (hg19) VCF-style: chr7-103191626-G-A.
Other names: c.6190C>T, p.His2064Tyr (NM_173054.3); short protein forms H2064Y.
Identifiers: ClinVar variation 566893 (VCV000566893.32), dbSNP rs767258528, ClinGen allele CA163901593.

ClinVar aggregate classification (germline): Uncertain significance. Review status: criteria provided, multiple submitters, no conflicts (2 of 4 stars). 2 submissions from 2 submitters: Uncertain significance (2). Last evaluated 2025-08-11.

Conditions:
Norman-Roberts syndrome (LIS2). Also called: Lissencephaly 2 (Norman-Roberts type). Identifiers: Orphanet 89844, MedGen C0796089, MONDO:0009760, OMIM 257320.
Familial temporal lobe epilepsy 7. Identifiers: Orphanet 101046, MedGen C4225327, MONDO:0014639, OMIM 616436.

Allele frequency attached by ClinVar (database versions not stated): gnomAD exomes 0.00002; TOPMed 0.00002; gnomAD 0.00005.
gnomAD v4.1: 170 of 1,613,970 alleles (0.011%); highest among the groups gnomAD compares: Non-Finnish European, 0.014%; no homozygotes.

Submissions (2):

Labcorp Genetics (formerly Invitae), Labcorp
Classification: Uncertain significance for Familial temporal lobe epilepsy 7; Norman-Roberts syndrome. Last evaluated: 2025-08-11. Review status: criteria provided, single submitter. Criteria: Invitae Variant Classification Sherloc (09022015). Collection method: clinical testing. Allele origin: germline.
Comment: This sequence change replaces histidine, which is basic and polar, with tyrosine, which is neutral and polar, at codon 2064 of the RELN protein (p.His2064Tyr). This variant is present in population databases (rs767258528, gnomAD 0.007%). This variant has not been reported in the literature in individuals affected with RELN-related conditions. ClinVar contains an entry for this variant (Variation ID: 566893). Invitae Evidence Modeling of protein sequence and biophysical properties (such as structural, functional, and spatial information, amino acid conservation, physicochemical variation, residue mobility, and thermodynamic stability) indicates that this missense variant is not expected to disrupt RELN protein function with a negative predictive value of 80%. In summary, the available evidence is currently insufficient to determine the role of this variant in disease. Therefore, it has been classified as a Variant of Uncertain Significance.

CeGaT Center for Human Genetics Tuebingen
Classification: Uncertain significance. Last evaluated: 2022-09-01. Review status: criteria provided, single submitter. Criteria: CeGaT Center For Human Genetics Tuebingen Variant Classification Criteria Version 2. Collection method: clinical testing. Allele origin: germline. Affected: yes. Observed: 1 variant allele.